The following is an entry in ClinVar:

ClinVar aggregate classification (germline): Uncertain significance. Review status: criteria provided, multiple submitters, no conflicts (2 of 4 stars). 2 submissions from 2 submitters: Uncertain significance (2). Last evaluated 2024-03-07.

Conditions:
Hereditary cancer-predisposing syndrome. Also called: Neoplastic Syndromes, Hereditary; Tumor predisposition; Hereditary Cancer Syndrome; Hereditary neoplastic syndrome. Identifiers: Orphanet 140162, MedGen C0027672, MeSH D009386, MONDO:0015356.

Submissions (2):

Color Diagnostics, LLC DBA Color Health
Classification: Uncertain significance for Hereditary cancer-predisposing syndrome. Last evaluated: 2024-03-07. Review status: criteria provided, single submitter. Criteria: ACMG Guidelines, 2015. Collection method: clinical testing. Allele origin: germline.
Comment: This missense variant replaces aspartic acid with tyrosine at codon 365 of the STK11 protein. Computational prediction tool suggests that this variant may not impact protein structure and function (internally defined REVEL score threshold <=0.5, PMID: 27666373). Splice site prediction tools suggest that this variant may not impact RNA splicing. To our knowledge, functional studies have not been performed for this variant. This variant has not been reported in individuals affected with hereditary cancer in the literature. This variant has not been identified in the general population by the Genome Aggregation Database (gnomAD). The available evidence is insufficient to determine the role of this variant in disease conclusively. Therefore, this variant is classified as a Variant of Uncertain Significance.

Ambry Genetics
Classification: Uncertain significance for Hereditary cancer-predisposing syndrome. Last evaluated: 2019-05-02. Review status: criteria provided, single submitter. Criteria: Ambry Variant Classification Scheme 2023. Collection method: clinical testing. Allele origin: germline.
Comment: The p.D365Y variant (also known as c.1093G>T), located in coding exon 8 of the STK11 gene, results from a G to T substitution at nucleotide position 1093. The aspartic acid at codon 365 is replaced by tyrosine, an amino acid with highly dissimilar properties. This amino acid position is highly conserved in available vertebrate species. In addition, the in silico prediction for this alteration is inconclusive. Since supporting evidence is limited at this time, the clinical significance of this alteration remains unclear.

NM_000455.5(STK11):c.1093G>T (p.Asp365Tyr)

Genes: STK11 (serine/threonine kinase 11; plus strand), LOC130062899 (ATAC-STARR-seq lymphoblastoid active region 13597; plus strand). Cytogenetic location: 19p13.3.
Variant type: single nucleotide variant.
Coding change: c.1093G>T on transcript NM_000455.5 (MANE Select); coding-DNA position 1093, G replaced by T.
Protein change: p.Asp365Tyr; replaces aspartic acid 365 with tyrosine.
Molecular consequence: missense variant.
Genome position (GRCh38, 1-based): chr19:1,223,157, G>T. VCF-style: chr19-1223157-G-T. GRCh37 (hg19) VCF-style: chr19-1223156-G-T.
Other names: short protein forms D365Y.
Identifiers: ClinVar variation 924537 (VCV000924537.6), dbSNP rs1599929572, ClinGen allele CA402951948.
Genomic context (GRCh38, chr19:1,223,157, plus strand): 5'-CACGGCGCGGACGAGGACGAGGACCTCTTCGACATCGAGGATGACATCATCTACACTCAG[G>T]ACTTCACGGTGCCCGGTGAGTCTGGCGGGGGCCCCTGCCCGGCTCTGCTGACTCGGCCAG-3'
Protein context (NP_000446.1, residues 355-375): DIEDDIIYTQ[Asp365Tyr]FTVPGQVPEE